The following is an entry in ClinVar:

ClinVar aggregate classification (germline): Uncertain significance (1 of 4 stars; one submission).

Submission:

Labcorp Genetics (formerly Invitae), Labcorp
Classification: Uncertain significance. Last evaluated: 2022-05-29. Review status: criteria provided, single submitter. Criteria: Invitae Variant Classification Sherloc (09022015). Collection method: clinical testing. Allele origin: germline.
Comment: This sequence change replaces proline, which is neutral and non-polar, with histidine, which is basic and polar, at codon 262 of the ZNF513 protein (p.Pro262His). This variant is not present in population databases (gnomAD no frequency). This variant has not been reported in the literature in individuals affected with ZNF513-related conditions. Algorithms developed to predict the effect of missense changes on protein structure and function are either unavailable or do not agree on the potential impact of this missense change (SIFT: "Deleterious"; PolyPhen-2: "Possibly Damaging"; Align-GVGD: "Class C15"). In summary, the available evidence is currently insufficient to determine the role of this variant in disease. Therefore, it has been classified as a Variant of Uncertain Significance.

NM_144631.6(ZNF513):c.785C>A (p.Pro262His)

Gene: ZNF513 (zinc finger protein 513; minus strand). Cytogenetic location: 2p23.3.
Variant type: single nucleotide variant.
Coding change: c.785C>A on transcript NM_144631.6 (MANE Select); coding-DNA position 785, C replaced by A.
Protein change: p.Pro262His; replaces proline 262 with histidine.
Molecular consequence: missense variant.
Genome position (GRCh38, 1-based): chr2:27,378,481, G>T on the plus strand (C>A on the coding strand, the complement: ZNF513 is on the minus strand). VCF-style: chr2-27378481-G-T. GRCh37 (hg19) VCF-style: chr2-27601348-G-T.
Other names: c.599C>A, p.Pro200His (NM_001201459.2); short protein forms P200H, P262H.
Identifiers: ClinVar variation 2000213 (VCV002000213.4), dbSNP rs2465623641, ClinGen allele CA346217381.